The following is an entry in ClinVar:

ClinVar aggregate classification (germline): Benign/Likely benign. Review status: criteria provided, multiple submitters, no conflicts (2 of 4 stars). 19 submissions from 19 submitters: Benign (9); Likely benign (6). 4 of the submissions do not count toward it. Last evaluated 2026-10-01.

Conditions:
Inborn genetic diseases. Identifiers: MedGen C0950123, MeSH D030342.
Wilson disease (WND). Also called: Wilson's disease. Identifiers: Orphanet 905, MedGen C0019202, MONDO:0010200, OMIM 277900. Disease mechanism: loss of function.

Allele frequency attached by ClinVar (database versions not stated): 1000 Genomes Project 0.00379; ESP Exome Variant Server 0.00767; gnomAD exomes 0.01005 and 0.00709; ExAC 0.00734; gnomAD 0.00704 and 0.00732; 1000 Genomes Project 30x 0.00468; TOPMed 0.00686.
gnomAD v4.1: 15,635 of 1,614,196 alleles (0.97%); highest among the groups gnomAD compares: Non-Finnish European, 1.2%; 94 homozygotes.

Submissions (19):

CeGaT Center for Human Genetics Tuebingen
Classification: Benign. Last evaluated: 2026-10-01. Review status: criteria provided, single submitter. Criteria: CeGaT Center For Human Genetics Tuebingen Variant Classification Criteria Version 2. Collection method: clinical testing. Allele origin: germline. Affected: yes. Observed: 90 variant alleles.
Comment: ATP7B: BP4, BS1, BS2

Labcorp Genetics (formerly Invitae), Labcorp
Classification: Benign for Wilson disease. Last evaluated: 2026-02-03. Review status: criteria provided, single submitter. Criteria: Invitae Variant Classification Sherloc (09022015). Collection method: clinical testing. Allele origin: germline.

ARUP Laboratories, Molecular Genetics and Genomics, ARUP Laboratories
Classification: Benign for Wilson disease. Last evaluated: 2025-06-24. Review status: criteria provided, single submitter. Criteria: ARUP Molecular Germline Variant Investigation Process 2024. Collection method: clinical testing. Allele origin: germline.

Blueprint Genetics
Classification: Likely benign. Last evaluated: 2024-11-26. Review status: criteria provided, single submitter. Criteria: ACMG Guidelines, 2015. Collection method: clinical testing. Allele origin: germline.

All of Us Research Program, National Institutes of Health
Classification: Likely benign for Wilson disease. Last evaluated: 2024-02-05. Review status: criteria provided, single submitter. Criteria: ACMG Guidelines, 2015. Collection method: clinical testing. Allele origin: germline. Inheritance: Autosomal recessive inheritance. Observed: 1,994 variant alleles, 1,974 heterozygotes, 20 homozygotes.
Comment: This study involves interpretation of variants in research participants for the purpose of population health screening. Participant phenotype was not available at the time of variant classification. Additional details can be found in publication PMID: 35346344, PMCID: PMC8962531

Mayo Clinic Laboratories, Mayo Clinic
Classification: Benign. Last evaluated: 2023-03-29. Review status: criteria provided, single submitter. Criteria: ACMG Guidelines, 2015. Collection method: clinical testing. Allele origin: germline. Observed: 37 variant alleles.
Comment: BS1, BS2, BP4, BP7

Color Diagnostics, LLC DBA Color Health
Classification: Likely benign for Wilson disease. Last evaluated: 2022-06-24. Review status: criteria provided, single submitter. Criteria: ACMG Guidelines, 2015. Collection method: clinical testing. Allele origin: germline.

Ambry Genetics
Classification: Likely benign for Inborn genetic diseases. Last evaluated: 2022-05-30. Review status: criteria provided, single submitter. Criteria: Ambry Variant Classification Scheme 2023. Collection method: clinical testing. Allele origin: germline.

Illumina Laboratory Services, Illumina
Classification: Likely benign for Wilson disease. Last evaluated: 2017-04-27. Review status: criteria provided, single submitter. Criteria: ICSL Variant Classification Criteria 13 December 2019. Collection method: clinical testing. Allele origin: germline.
Comment: This variant was observed as part of a predisposition screen in an ostensibly healthy population. A literature search was performed for the gene, cDNA change, and amino acid change (where applicable). Publications were found based on this search. The evidence from the literature, in combination with allele frequency data from public databases where available, was sufficient to determine this variant is unlikely to cause disease. Therefore, this variant is classified as likely benign.

GeneDx
Classification: Benign. Last evaluated: 2016-11-01. Review status: criteria provided, single submitter. Criteria: GeneDx Variant Classification (06012015). Collection method: clinical testing. Allele origin: germline. Affected: yes.
Comment: This variant is considered likely benign or benign based on one or more of the following criteria: it is a conservative change, it occurs at a poorly conserved position in the protein, it is predicted to be benign by multiple in silico algorithms, and/or has population frequency not consistent with disease.

Eurofins Ntd Llc (ga)
Classification: Benign. Last evaluated: 2014-08-15. Review status: criteria provided, single submitter. Criteria: EGL Classification Definitions 2015. Collection method: clinical testing. Allele origin: germline. Observed: 1 variant allele, 1 heterozygote.

Genetic Services Laboratory, University of Chicago
Classification: Benign. Last evaluated: 2013-02-08. Review status: criteria provided, single submitter. Criteria: ACMG Guidelines, 2007. Collection method: clinical testing. Allele origin: germline. Inheritance: Autosomal recessive inheritance.

Women's Health and Genetics/Laboratory Corporation of America, LabCorp
Classification: Benign for Wilson Disease. Last evaluated: 2011-08-18. Review status: criteria provided, single submitter. Criteria: LabCorp Variant Classification Summary - May 2015. Collection method: curation. Allele origin: germline. Inheritance: autosomal unknown. Affected: yes.
ClinVar note: Converted during submission from benign to Benign.

Breakthrough Genomics
Classification: Likely benign. Review status: criteria provided, single submitter. Criteria: ACMG Guidelines, 2015. Collection method: not provided. Allele origin: germline. Inheritance: Autosomal recessive inheritance. Affected: yes.

PreventionGenetics, part of Exact Sciences
Classification: Benign. Review status: criteria provided, single submitter. Criteria: ACMG Guidelines, 2015. Collection method: clinical testing. Allele origin: germline.

Natera, Inc.
Classification: Benign for Wilson disease. Last evaluated: 2020-09-16. Review status: no assertion criteria provided. Collection method: clinical testing. Allele origin: germline. Not counted in ClinVar's aggregate classification.

Clinical Genetics, Academic Medical Center
Classification: Benign. Review status: no assertion criteria provided. Collection method: clinical testing. Allele origin: germline. Affected: yes. Study: VKGL Data-share Consensus. Not counted in ClinVar's aggregate classification.

Diagnostic Laboratory, Department of Genetics, University Medical Center Groningen
Classification: Likely benign for Wilson disease. Review status: no assertion criteria provided. Collection method: clinical testing. Allele origin: germline. Affected: yes. Study: VKGL Data-share Consensus. Not counted in ClinVar's aggregate classification.

Genome Diagnostics Laboratory, Amsterdam University Medical Center
Classification: Benign. Review status: no assertion criteria provided. Collection method: clinical testing. Allele origin: germline. Affected: yes. Study: VKGL Data-share Consensus. Not counted in ClinVar's aggregate classification.

Literature cited by the submitters: PubMed 14962673 (cited by Illumina Laboratory Services, Illumina and Women's Health and Genetics/Laboratory Corporation of America, LabCorp); PubMed 10544227 (cited by Illumina Laboratory Services, Illumina); PubMed 17823867 (cited by Women's Health and Genetics/Laboratory Corporation of America, LabCorp).

NM_000053.4(ATP7B):c.4311G>A (p.Lys1437=)

Gene: ATP7B (ATPase copper transporting beta; minus strand). Cytogenetic location: 13q14.3.
Variant type: single nucleotide variant.
Coding change: c.4311G>A on transcript NM_000053.4 (MANE Select); coding-DNA position 4311, G replaced by A.
Protein change: p.Lys1437=; no amino-acid change (lysine 1437 retained).
Molecular consequence: synonymous variant.
Genome position (GRCh38, 1-based): chr13:51,934,843, C>T on the plus strand (G>A on the coding strand, the complement: ATP7B is on the minus strand). VCF-style: chr13-51934843-C-T. GRCh37 (hg19) VCF-style: chr13-52508979-C-T.
Other names: p.Lys1437=; c.3690G>A, p.Lys1230= (NM_001005918.3); c.3978G>A, p.Lys1326= (NM_001243182.2); c.4077G>A, p.Lys1359= (NM_001330578.2); c.4059G>A, p.Lys1353= (NM_001330579.2).
Identifiers: ClinVar variation 35732 (VCV000035732.80), dbSNP rs73202048, ClinGen allele CA171330.